The following is an entry in ClinVar:

NM_000492.4(CFTR):c.2636T>C (p.Val879Ala)

Gene: CFTR (CF transmembrane conductance regulator; plus strand). Cytogenetic location: 7q31.2.
Variant type: single nucleotide variant.
Coding change: c.2636T>C on transcript NM_000492.4 (MANE Select); coding-DNA position 2636, T replaced by C.
Protein change: p.Val879Ala; replaces valine 879 with alanine.
Molecular consequence: missense variant.
Genome position (GRCh38, 1-based): chr7:117,602,842, T>C. VCF-style: chr7-117602842-T-C. GRCh37 (hg19) VCF-style: chr7-117242896-T-C.
Other names: short protein forms V879A.
Identifiers: ClinVar variation 2453652 (VCV002453652.2), dbSNP rs1792246201, ClinGen allele CA368985994.

ClinVar aggregate classification (germline): Uncertain significance (1 of 4 stars; one submission).

Conditions:
Cystic fibrosis (CF). Also called: MUCOVISCIDOSIS. Identifiers: Orphanet 586, MedGen C0010674, MONDO:0009061, OMIM 219700. Disease mechanism: loss of function.

Allele frequency attached by ClinVar (database versions not stated): gnomAD 0.00001; TOPMed 0.00001.
gnomAD v4.1: 1 of 1,613,922 alleles (0.000062%); highest among the groups gnomAD compares: African/African-American, 0.0013%; no homozygotes.

Submission:

Ambry Genetics
Classification: Uncertain significance for Cystic fibrosis. Last evaluated: 2023-01-31. Review status: criteria provided, single submitter. Criteria: Ambry Variant Classification Scheme 2023. Collection method: clinical testing. Allele origin: germline.
Comment: The p.V879A variant (also known as c.2636T>C), located in coding exon 16 of the CFTR gene, results from a T to C substitution at nucleotide position 2636. The valine at codon 879 is replaced by alanine, an amino acid with similar properties. This amino acid position is conserved. In addition, this alteration is predicted to be tolerated by in silico analysis. Since supporting evidence is limited at this time, the clinical significance of this alteration remains unclear.